The following is an entry in ClinVar:

NM_004204.5(PIGQ):c.271G>C (p.Glu91Gln)

Gene: PIGQ (phosphatidylinositol glycan anchor biosynthesis class Q; plus strand). Cytogenetic location: 16p13.3.
Variant type: single nucleotide variant.
Coding change: c.271G>C on transcript NM_004204.5 (MANE Select); coding-DNA position 271, G replaced by C.
Protein change: p.Glu91Gln; replaces glutamic acid 91 with glutamine.
Molecular consequence: missense variant.
Genome position (GRCh38, 1-based): chr16:574,345, G>C. VCF-style: chr16-574345-G-C. GRCh37 (hg19) VCF-style: chr16-624345-G-C.
Other names: c.271G>C, p.Glu91Gln (NM_148920.4); short protein forms E91Q.
Identifiers: ClinVar variation 1403147 (VCV001403147.4), dbSNP rs750533490, ClinGen allele CA7779819.

ClinVar aggregate classification (germline): Uncertain significance. Review status: criteria provided, multiple submitters, no conflicts (2 of 4 stars). 2 submissions from 2 submitters: Uncertain significance (2). Last evaluated 2021-08-14.

Conditions:
Epilepsy. Also called: Seizure disorder. Identifiers: MedGen C0014544, MeSH D004827, MONDO:0005027.
Developmental and epileptic encephalopathy, 77. Also called: GLYCOSYLPHOSPHATIDYLINOSITOL BIOSYNTHESIS DEFECT 19; EPILEPTIC ENCEPHALOPATHY, EARLY INFANTILE, 77; MULTIPLE CONGENITAL ANOMALIES-HYPOTONIA-SEIZURES SYNDROME 4. Identifiers: MedGen C5231405, MONDO:0032808, OMIM 618548.

Allele frequency attached by ClinVar (database versions not stated): gnomAD 0.00001.
gnomAD v4.1: 17 of 1,609,278 alleles (0.0011%); highest among the groups gnomAD compares: South Asian, 0.019%; no homozygotes.

Submissions (2):

Labcorp Genetics (formerly Invitae), Labcorp
Classification: Uncertain significance for Epilepsy. Last evaluated: 2021-08-14. Review status: criteria provided, single submitter. Criteria: Invitae Variant Classification Sherloc (09022015). Collection method: clinical testing. Allele origin: germline.
Comment: This sequence change replaces glutamic acid with glutamine at codon 91 of the PIGQ protein (p.Glu91Gln). The glutamic acid residue is weakly conserved and there is a small physicochemical difference between glutamic acid and glutamine. This variant is present in population databases (rs750533490, ExAC 0.02%). This variant has not been reported in the literature in individuals affected with PIGQ-related conditions. Algorithms developed to predict the effect of missense changes on protein structure and function (SIFT, PolyPhen-2, Align-GVGD) all suggest that this variant is likely to be tolerated. In summary, the available evidence is currently insufficient to determine the role of this variant in disease. Therefore, it has been classified as a Variant of Uncertain Significance.

Neuberg Centre For Genomic Medicine, NCGM
Classification: Uncertain significance for Developmental and epileptic encephalopathy, 77. Review status: criteria provided, single submitter. Criteria: ACMG Guidelines, 2015. Collection method: clinical testing. Allele origin: germline. Inheritance: Autosomal recessive inheritance. Affected: yes.
Comment: The missense c.271G>C p.Glu91Gln variant in PIGQ gene has not been reported previously as a pathogenic variant nor as a benign variant, to our knowledge. The p.Glu91Gln variant is reported with allele frequency of 0.003% in gnomAD exomes and is novel not in any individuals in 1000 Genomes. This variant has been reported to the ClinVar database as Variant of Uncertain Significance. The amino acid change p.Glu91Gln in PIGQ is predicted as conserved by GERP++ and PhyloP across 100 vertebrates. The amino acid Glu at position 91 is changed to a Gln changing protein sequence and it might alter its composition and physico-chemical properties. For these reasons, this variant has been classified as a Variant of Uncertain Significance VUS.